The following is an entry in ClinVar:

ClinVar aggregate classification (germline): Likely benign. Review status: criteria provided, single submitter (1 of 4 stars). 2 submissions from 2 submitters: Likely benign (1). 1 of the submissions does not count toward it. Last evaluated 2022-05-03.

Conditions:
APC-related disorder. Also called: APC-related condition.

gnomAD v4.1: 132 of 152,360 alleles (0.087%); highest among the groups gnomAD compares: African/African-American, 0.31%; no homozygotes.

Submissions (2):

Blueprint Genetics
Classification: Likely benign. Last evaluated: 2022-05-03. Review status: criteria provided, single submitter. Criteria: ACMG Guidelines, 2015. Collection method: clinical testing. Allele origin: germline.

PreventionGenetics, part of Exact Sciences
Classification: Likely benign for APC-related condition. Last evaluated: 2024-06-12. Review status: no assertion criteria provided. Collection method: clinical testing. Allele origin: germline. Not counted in ClinVar's aggregate classification.
Comment: This variant is classified as likely benign based on ACMG/AMP sequence variant interpretation guidelines (Richards et al. 2015 PMID: 25741868, with internal and published modifications).

NM_001127511.3(APC):c.166-29200A>G

Gene: APC (APC regulator of Wnt signaling pathway; plus strand). Cytogenetic location: 5q22.2.
Variant type: single nucleotide variant.
Coding change: c.166-29200A>G on transcript NM_001127511.3; 29200 bases into the intron before coding-DNA position 166, A replaced by G.
Molecular consequence: intron variant.
Genome position (GRCh38, 1-based): chr5:112,737,126, A>G. VCF-style: chr5-112737126-A-G. GRCh37 (hg19) VCF-style: chr5-112072823-A-G.
Other names: c.-1053-17747A>G (NM_001407470.1, NM_001407472.1); c.-18-17747A>G (NM_001407447.1, NM_001354895.2, NM_001407456.1 and 7 more transcripts); c.166-29200A>G (NM_001407446.1, NM_001354897.2, NM_001354902.2); c.-42-29200A>G (NM_001407453.1).
Identifiers: ClinVar variation 3356619 (VCV003356619.2).